The following is an entry in ClinVar:

NM_000138.5(FBN1):c.6626A>C (p.Glu2209Ala)

Gene: FBN1 (fibrillin 1; minus strand). Cytogenetic location: 15q21.1.
Variant type: single nucleotide variant.
Coding change: c.6626A>C on transcript NM_000138.5 (MANE Select); coding-DNA position 6626, A replaced by C.
Protein change: p.Glu2209Ala; replaces glutamic acid 2209 with alanine.
Molecular consequence: missense variant.
Genome position (GRCh38, 1-based): chr15:48,432,979, T>G on the plus strand (A>C on the coding strand, the complement: FBN1 is on the minus strand). VCF-style: chr15-48432979-T-G. GRCh37 (hg19) VCF-style: chr15-48725176-T-G.
Other names: short protein forms E2209A.
Identifiers: ClinVar variation 406344 (VCV000406344.8), dbSNP rs1060501072, ClinGen allele CA16614628.

ClinVar aggregate classification (germline): Uncertain significance (1 of 4 stars; one submission).

Conditions:
Marfan syndrome (MFS). Also called: Marfan syndrome, classic; Marfan syndrome type 1; Marfan's syndrome; MARFAN SYNDROME, TYPE I; FBN1-Related Marfan Syndrome. Identifiers: Orphanet 284963, Orphanet 558, MedGen C0024796, MONDO:0007947, OMIM 154700.
Familial thoracic aortic aneurysm and aortic dissection (TAAD). Also called: Thoracic aortic aneurysms and dissections. Identifiers: Orphanet 91387, MedGen C4707243, MONDO:0019625.

Submission:

Labcorp Genetics (formerly Invitae), Labcorp
Classification: Uncertain significance for Marfan syndrome; Familial thoracic aortic aneurysm and aortic dissection. Last evaluated: 2022-01-19. Review status: criteria provided, single submitter. Criteria: Invitae Variant Classification Sherloc (09022015). Collection method: clinical testing. Allele origin: germline.
Comment: In summary, the available evidence is currently insufficient to determine the role of this variant in disease. Therefore, it has been classified as a Variant of Uncertain Significance. Advanced modeling of protein sequence and biophysical properties (such as structural, functional, and spatial information, amino acid conservation, physicochemical variation, residue mobility, and thermodynamic stability) performed at Invitae indicates that this missense variant is expected to disrupt FBN1 protein function. ClinVar contains an entry for this variant (Variation ID: 406344). This missense change has been observed in individual(s) with clinical features of FBN1-related conditions (Invitae). This variant is not present in population databases (gnomAD no frequency). This sequence change replaces glutamic acid, which is acidic and polar, with alanine, which is neutral and non-polar, at codon 2209 of the FBN1 protein (p.Glu2209Ala).